The following is an entry in ClinVar:

NM_173348.2(FAM149B1):c.1389G>A (p.Pro463=)

Genes: DNAJC9 (DnaJ heat shock protein family (Hsp40) member C9; minus strand), FAM149B1 (family with sequence similarity 149 member B1; plus strand). Cytogenetic location: 10q22.2.
Variant type: single nucleotide variant.
Coding change: c.1389G>A on transcript NM_173348.2 (MANE Select); coding-DNA position 1389, G replaced by A.
Protein change: p.Pro463=; no amino-acid change (proline 463 retained).
Molecular consequence: synonymous variant.
Genome position (GRCh38, 1-based): chr10:73,234,853, G>A. VCF-style: chr10-73234853-G-A. GRCh37 (hg19) VCF-style: chr10-74994611-G-A.
Identifiers: ClinVar variation 3047727 (VCV003047727.3), dbSNP rs374684689, ClinGen allele CA5552945.

ClinVar aggregate classification (germline): Likely benign. Review status: criteria provided, single submitter (1 of 4 stars). 2 submissions from 2 submitters: Likely benign (1). 1 of the submissions does not count toward it. Last evaluated 2026-09-01.

Conditions:
FAM149B1-related disorder. Also called: FAM149B1-related condition.

Allele frequency attached by ClinVar (database versions not stated): ESP Exome Variant Server 0.00022.
gnomAD v4.1: 139 of 1,551,524 alleles (0.009%); highest among the groups gnomAD compares: South Asian, 0.048%; no homozygotes.

Submissions (2):

CeGaT Center for Human Genetics Tuebingen
Classification: Likely benign. Last evaluated: 2026-09-01. Review status: criteria provided, single submitter. Criteria: CeGaT Center For Human Genetics Tuebingen Variant Classification Criteria Version 2. Collection method: clinical testing. Allele origin: germline. Affected: yes. Observed: 1 variant allele.
Comment: FAM149B1: BP4, BP7

PreventionGenetics, part of Exact Sciences
Classification: Likely benign for FAM149B1-related condition. Last evaluated: 2020-08-19. Review status: no assertion criteria provided. Collection method: clinical testing. Allele origin: germline. Not counted in ClinVar's aggregate classification.
Comment: This variant is classified as likely benign based on ACMG/AMP sequence variant interpretation guidelines (Richards et al. 2015 PMID: 25741868, with internal and published modifications).